The following is an entry in ClinVar:

NM_001127208.3(TET2):c.1630C>T (p.Arg544Ter)

Genes: TET2 (tet methylcytosine dioxygenase 2; plus strand), TET2-AS1 (TET2 antisense RNA 1; minus strand). Cytogenetic location: 4q24.
Variant type: single nucleotide variant.
Coding change: c.1630C>T on transcript NM_001127208.3 (MANE Select); coding-DNA position 1630, C replaced by T.
Protein change: p.Arg544Ter; replaces arginine 544 with a stop codon.
Molecular consequence: nonsense.
Genome position (GRCh38, 1-based): chr4:105,235,572, C>T. VCF-style: chr4-105235572-C-T. GRCh37 (hg19) VCF-style: chr4-106156729-C-T.
Other names: c.1630C>T, p.Arg544Ter (NM_017628.4); short protein forms R544*.
Identifiers: ClinVar variation 1967918 (VCV001967918.7), dbSNP rs1440692352, ClinGen allele CA357795492.
Genomic context (GRCh38, chr4:105,235,572, plus strand): 5'-GAGCTACAGGACAACTGCCAGCAGTTGATGAGAAACAAAGAGCAAGAGATTCTGAAGGGT[C>T]GAGACAAGGAGCAAACACGAGATCTTGTGCCCCCAACACAGCACTATCTGAAACCAGGAT-3'

ClinVar aggregate classification (germline): Pathogenic/Likely pathogenic. Review status: criteria provided, multiple submitters, no conflicts (2 of 4 stars). 2 submissions from 2 submitters: Pathogenic (1); Likely pathogenic (1). Last evaluated 2026-04-05.

Allele frequency attached by ClinVar (database versions not stated): gnomAD 0.00001.
gnomAD v4.1: 10 of 1,613,948 alleles (0.00062%); highest among the groups gnomAD compares: Admixed American, 0.0017%; no homozygotes.

Submissions (2):

Dasa
Classification: Likely pathogenic. Last evaluated: 2026-04-05. Review status: criteria provided, single submitter. Criteria: DASA Assertion Criteria. Collection method: clinical testing. Allele origin: germline.
Comment: NM_001127208.3(TET2):c.1630C>T (p.Arg544*) is a nonsense variant in TET2 predicted to introduce a premature termination codon and is predicted to result in an absent or altered protein product. Loss of function is an established disease mechanism for TET2-associated disorders. Also, this variant is rare in population databases. Based on the currently available evidence, this variant is classified as likely pathogenic.

Labcorp Genetics (formerly Invitae), Labcorp
Classification: Pathogenic. Last evaluated: 2025-12-30. Review status: criteria provided, single submitter. Criteria: Invitae Variant Classification Sherloc (09022015). Collection method: clinical testing. Allele origin: germline.
Comment: This sequence change creates a premature translational stop signal (p.Arg544*) in the TET2 gene. It is expected to result in an absent or disrupted protein product. Loss-of-function variants in TET2 are known to be pathogenic (PMID: 36066697). The frequency data for this variant in the population databases is considered unreliable, as metrics indicate poor data quality at this position in the gnomAD database. This variant has not been reported in the literature in individuals affected with TET2-related conditions. ClinVar contains an entry for this variant (Variation ID: 1967918). For these reasons, this variant has been classified as Pathogenic.

Literature cited by the submitters: PubMed 36066697 (cited by Labcorp Genetics (formerly Invitae), Labcorp).